The following is an entry in ClinVar:

NM_016507.4(CDK12):c.3755C>A (p.Ala1252Glu)

Gene: CDK12 (cyclin dependent kinase 12; plus strand). Cytogenetic location: 17q12.
Variant type: single nucleotide variant.
Coding change: c.3755C>A on transcript NM_016507.4 (MANE Select); coding-DNA position 3755, C replaced by A.
Protein change: p.Ala1252Glu; replaces alanine 1252 with glutamic acid.
Molecular consequence: missense variant.
Genome position (GRCh38, 1-based): chr17:39,526,311, C>A. VCF-style: chr17-39526311-C-A. GRCh37 (hg19) VCF-style: chr17-37682564-C-A.
Other names: c.3755C>A, p.Ala1252Glu (NM_015083.4); short protein forms A1252E.
Identifiers: ClinVar variation 3999510 (VCV003999510.1).

ClinVar aggregate classification (germline): Uncertain significance (1 of 4 stars; one submission).

Submission:

Ambry Genetics
Classification: Uncertain significance. Last evaluated: 2025-05-31. Review status: criteria provided, single submitter. Criteria: Ambry Variant Classification Scheme 2023. Collection method: clinical testing. Allele origin: germline.
Comment: The p.A1252E variant (also known as c.3755C>A), located in coding exon 13 of the CDK12 gene, results from a C to A substitution at nucleotide position 3755. The alanine at codon 1252 is replaced by glutamic acid, an amino acid with dissimilar properties. This amino acid position is conserved. In addition, this alteration is predicted to be tolerated by in silico analysis. Based on the available evidence, the clinical significance of this variant remains unclear.